The following is an entry in ClinVar:

NM_001291303.3(FAT4):c.1358A>G (p.Gln453Arg)

Gene: FAT4 (FAT atypical cadherin 4; plus strand). Cytogenetic location: 4q28.1.
Variant type: single nucleotide variant.
Coding change: c.1358A>G on transcript NM_001291303.3 (MANE Select); coding-DNA position 1358, A replaced by G.
Protein change: p.Gln453Arg; replaces glutamine 453 with arginine.
Molecular consequence: missense variant. On other transcripts: intron variant (1).
Genome position (GRCh38, 1-based): chr4:125,317,769, A>G. VCF-style: chr4-125317769-A-G. GRCh37 (hg19) VCF-style: chr4-126238924-A-G.
Other names: c.1358A>G, p.Gln453Arg (NM_001291285.3, NM_001438396.1, NM_001438397.1 and 1 more transcripts); c.-55+1792A>G (NM_001437895.1); short protein forms Q453R.
Identifiers: ClinVar variation 4279814 (VCV004279814.1).

ClinVar aggregate classification (germline): Uncertain significance (1 of 4 stars; one submission).

Conditions:
Hennekam lymphangiectasia-lymphedema syndrome 2 (HKLLS2). Identifiers: Orphanet 2136, MedGen C4014939, MONDO:0014454, OMIM 616006.

gnomAD v4.1: 9 of 1,613,818 alleles (0.00056%); highest among the groups gnomAD compares: African/African-American, 0.012%; no homozygotes.

Submission:

Clinical Genomics Laboratory, Washington University in St. Louis
Classification: Uncertain significance for Hennekam lymphangiectasia-lymphedema syndrome 2. Last evaluated: 2025-06-13. Review status: criteria provided, single submitter. Criteria: ACMG Guidelines, 2015. Collection method: clinical testing. Allele origin: germline.
Comment: A FAT4 c.1358A>G (p.Gln453Arg) variant was identified at a near heterozygous allelic fraction of 49.3%, a frequency which may be consistent with it being of germline origin. This variant, to our knowledge, has not been reported in the medical literature. The FAT4 c.1358A>G (p.Gln453Arg) variant is only observed on 9/1,613,818 alleles in the general population (gnomAD v4.1.0), indicating it is not a common variant. Computational predictors suggest that the variant does not impact FAT4 function. Due to limited information, and based on ACMG/AMP guidelines for variant interpretation (Richards S et al., PMID: 25741868), the clinical significance of this variant is uncertain at this time.